The following is an entry in ClinVar:

ClinVar aggregate classification (germline): Likely benign (1 of 4 stars; one submission).

Conditions:
SEPN1-related disorder. Also called: SEPN1-Related Disorders. Identifiers: MedGen CN239420.

Allele frequency attached by ClinVar (database versions not stated): TOPMed 0.01293; 1000 Genomes Project 30x 0.01874; 1000 Genomes Project 0.01717; gnomAD 0.01252 and 0.01325.

Submission:

Illumina Laboratory Services, Illumina
Classification: Likely benign for SEPN1-Related Disorders. Last evaluated: 2017-04-27. Review status: criteria provided, single submitter. Criteria: ICSL Variant Classification Criteria 13 December 2019. Collection method: clinical testing. Allele origin: germline.
Comment: This variant was observed as part of a predisposition screen in an ostensibly healthy population. A literature search was performed for the gene, cDNA change, and amino acid change (where applicable). No publications were found based on this search. Allele frequency data from public databases allowed determination this variant is unlikely to cause disease. Therefore, this variant is classified as likely benign.

NM_206926.2(SELENON):c.*2312T>C

Gene: SELENON (selenoprotein N; plus strand). Cytogenetic location: 1p36.11.
Variant type: single nucleotide variant.
Coding change: c.*2312T>C on transcript NM_206926.2 (MANE Select); 2312 bases downstream of the stop codon, T replaced by C.
Molecular consequence: 3 prime UTR variant.
Genome position (GRCh38, 1-based): chr1:25,818,030, T>C. VCF-style: chr1-25818030-T-C. GRCh37 (hg19) VCF-style: chr1-26144521-T-C.
Other names: c.*2312T>C (NM_020451.3).
Identifiers: ClinVar variation 297064 (VCV000297064.5), dbSNP rs58878991, ClinGen allele CA10609801.